The following is an entry in ClinVar:

ClinVar aggregate classification (germline): Uncertain significance. Review status: criteria provided, multiple submitters, no conflicts (2 of 4 stars). 2 submissions from 2 submitters: Uncertain significance (2). Last evaluated 2025-04-18.

Conditions:
Inborn genetic diseases. Identifiers: MedGen C0950123, MeSH D030342.

Allele frequency attached by ClinVar (database versions not stated): gnomAD exomes 0.00002; ESP Exome Variant Server 0.00008; ExAC 0.00002.
gnomAD v4.1: 56 of 1,614,014 alleles (0.0035%); highest among the groups gnomAD compares: Non-Finnish European, 0.0047%; no homozygotes.

Submissions (2):

Ambry Genetics
Classification: Uncertain significance for Inborn genetic diseases. Last evaluated: 2025-04-18. Review status: criteria provided, single submitter. Criteria: Ambry Variant Classification Scheme 2023. Collection method: clinical testing. Allele origin: germline.

Labcorp Genetics (formerly Invitae), Labcorp
Classification: Uncertain significance. Last evaluated: 2023-07-03. Review status: criteria provided, single submitter. Criteria: Invitae Variant Classification Sherloc (09022015). Collection method: clinical testing. Allele origin: germline.
Comment: In summary, the available evidence is currently insufficient to determine the role of this variant in disease. Therefore, it has been classified as a Variant of Uncertain Significance. Advanced modeling of protein sequence and biophysical properties (such as structural, functional, and spatial information, amino acid conservation, physicochemical variation, residue mobility, and thermodynamic stability) performed at Invitae indicates that this missense variant is not expected to disrupt FAT4 protein function. ClinVar contains an entry for this variant (Variation ID: 1348314). This variant has not been reported in the literature in individuals affected with FAT4-related conditions. This variant is present in population databases (rs142649500, gnomAD 0.006%). This sequence change replaces valine, which is neutral and non-polar, with phenylalanine, which is neutral and non-polar, at codon 4515 of the FAT4 protein (p.Val4515Phe).

NM_001291303.3(FAT4):c.13549G>T (p.Val4517Phe)

Gene: FAT4 (FAT atypical cadherin 4; plus strand). Cytogenetic location: 4q28.1.
Variant type: single nucleotide variant.
Coding change: c.13549G>T on transcript NM_001291303.3 (MANE Select); coding-DNA position 13549, G replaced by T.
Protein change: p.Val4517Phe; replaces valine 4517 with phenylalanine.
Molecular consequence: missense variant.
Genome position (GRCh38, 1-based): chr4:125,490,365, G>T. VCF-style: chr4-125490365-G-T. GRCh37 (hg19) VCF-style: chr4-126411520-G-T.
Other names: c.13546G>T, p.Val4516Phe (NM_001291285.3); c.13543G>T, p.Val4515Phe (NM_024582.6); c.13543G>T (NM_024582.4); short protein forms V4516F, V4517F, V4515F.
Identifiers: ClinVar variation 1348314 (VCV001348314.8), dbSNP rs142649500, ClinGen allele CA3074389.